The following is an entry in ClinVar:

NM_000525.4(KCNJ11):c.998T>C (p.Phe333Ser)

Gene: KCNJ11 (potassium inwardly rectifying channel subfamily J member 11; minus strand). Cytogenetic location: 11p15.1.
Variant type: single nucleotide variant.
Coding change: c.998T>C on transcript NM_000525.4 (MANE Select); coding-DNA position 998, T replaced by C.
Protein change: p.Phe333Ser; replaces phenylalanine 333 with serine.
Molecular consequence: missense variant.
Genome position (GRCh38, 1-based): chr11:17,387,094, A>G on the plus strand (T>C on the coding strand, the complement: KCNJ11 is on the minus strand). VCF-style: chr11-17387094-A-G. GRCh37 (hg19) VCF-style: chr11-17408641-A-G.
Other names: c.737T>C, p.Phe246Ser (NM_001166290.2, NM_001377296.1, NM_001377297.1); short protein forms F333S, F246S.
Identifiers: ClinVar variation 4709807 (VCV004709807.1).
Genomic context (GRCh38, chr11:17,387,094, plus strand): 5'-TGGTCCTCATCAAGCTGGCGGGCCGTGCAGAGTGGTGTGGGCACTTTGACGGTGTTGCCA[A>G]ACTTGGAGTAGTCCACAGAGTAACGTCCGTCCTCCTCAGCTACAATGGGCACAAAGCGCT-3'
Protein context (NP_000516.3, residues 323-343): DGRYSVDYSK[Phe333Ser]GNTVKVPTPL

ClinVar aggregate classification (germline): Pathogenic (1 of 4 stars; one submission).

Submission:

Labcorp Genetics (formerly Invitae), Labcorp
Classification: Pathogenic. Last evaluated: 2025-10-09. Review status: criteria provided, single submitter. Criteria: Invitae Variant Classification Sherloc (09022015). Collection method: clinical testing. Allele origin: germline.
Comment: This sequence change replaces phenylalanine, which is neutral and non-polar, with serine, which is neutral and polar, at codon 333 of the KCNJ11 protein (p.Phe333Ser). This variant is not present in population databases (gnomAD no frequency). This missense change has been observed in individuals with autosomal dominant congenital hyperinsulinism (PMID: 20685672, 30186238). Invitae Evidence Modeling of protein sequence and biophysical properties (such as structural, functional, and spatial information, amino acid conservation, physicochemical variation, residue mobility, and thermodynamic stability) indicates that this missense variant is expected to disrupt KCNJ11 protein function with a positive predictive value of 95%. This variant disrupts the p.Phe333 amino acid residue in KCNJ11. Other variant(s) that disrupt this residue have been determined to be pathogenic (PMID: 15448106, 17855752, 24265373). This suggests that this residue is clinically significant, and that variants that disrupt this residue are likely to be disease-causing. In summary, the currently available evidence indicates that the variant is pathogenic, but additional data are needed to prove that conclusively. Therefore, this variant has been classified as Likely Pathogenic.

Literature cited by the submitters: PubMed 20685672; PubMed 30186238; PubMed 15448106; PubMed 17855752; PubMed 24265373.